The following is an entry in ClinVar:

ClinVar aggregate classification (germline): Conflicting classifications of pathogenicity. Review status: criteria provided, conflicting classifications (1 of 4 stars). 6 submissions from 6 submitters: Uncertain significance (4); Likely benign (2). Last evaluated 2025-12-15.

Conditions:
Cardiovascular phenotype. Identifiers: MedGen CN230736.
Cardiomyopathy (CMYO). Also called: Cardiomyopathies. Identifiers: Orphanet 167848, MedGen C0878544, MONDO:0004994, HP:0001638. Inheritance: Various modes of inheritance.
Primary dilated cardiomyopathy (DCM). Also called: Dilated Cardiomyopathy. Identifiers: Orphanet 217604, MedGen C0007193, MeSH D002311, MONDO:0005021, HP:0001644. Inheritance: Various modes of inheritance.
Dilated cardiomyopathy 1DD (CMD1DD). Identifiers: Orphanet 154, MedGen C2750995, MONDO:0013168, OMIM 613172.

Allele frequency attached by ClinVar (database versions not stated): gnomAD 0.00001; TOPMed 0.00002.
gnomAD v4.1: 30 of 1,551,664 alleles (0.0019%); highest among the groups gnomAD compares: Middle Eastern, 0.017%; 1 homozygote.

Submissions (6):

Labcorp Genetics (formerly Invitae), Labcorp
Classification: Likely benign for Dilated cardiomyopathy 1DD. Last evaluated: 2025-12-15. Review status: criteria provided, single submitter. Criteria: Invitae Variant Classification Sherloc (09022015). Collection method: clinical testing. Allele origin: germline.

Ambry Genetics
Classification: Uncertain significance for Cardiovascular phenotype. Last evaluated: 2025-01-04. Review status: criteria provided, single submitter. Criteria: Ambry Variant Classification Scheme 2023. Collection method: clinical testing. Allele origin: germline.
Comment: The p.E1026K variant (also known as c.3076G>A), located in coding exon 11 of the RBM20 gene, results from a G to A substitution at nucleotide position 3076. The glutamic acid at codon 1026 is replaced by lysine, an amino acid with similar properties. This amino acid position is not well conserved in available vertebrate species, and lysine is the reference amino acid in other vertebrate species. In addition, this alteration is predicted to be tolerated by in silico analysis. Since supporting evidence is limited at this time, the clinical significance of this alteration remains unclear.

Blueprint Genetics
Classification: Uncertain significance. Last evaluated: 2023-03-01. Review status: criteria provided, single submitter. Criteria: ACMG Guidelines, 2015. Collection method: clinical testing. Allele origin: germline.

Center for Advanced Laboratory Medicine, UC San Diego Health, University of California San Diego
Classification: Uncertain significance for Cardiomyopathy. Last evaluated: 2019-03-15. Review status: criteria provided, single submitter. Criteria: ACMG Guidelines, 2015. Collection method: clinical testing. Allele origin: germline. Affected: yes. Observed: 1 variant allele.

CHEO Genetics Diagnostic Laboratory, Children's Hospital of Eastern Ontario
Classification: Uncertain significance for Cardiomyopathy. Last evaluated: 2018-03-15. Review status: criteria provided, single submitter. Criteria: ACMG Guidelines, 2015. Collection method: clinical testing. Allele origin: germline.

Genetics and Genomics Program, Sidra Medicine
Classification: Likely benign for Primary dilated cardiomyopathy. Review status: criteria provided, single submitter. Criteria: ACMG Guidelines, 2015. Collection method: research. Allele origin: unknown. Affected: yes. Observed: 1 variant allele.

NM_001134363.3(RBM20):c.3076G>A (p.Glu1026Lys)

Gene: RBM20 (RNA binding motif protein 20; plus strand). Cytogenetic location: 10q25.2.
Variant type: single nucleotide variant.
Coding change: c.3076G>A on transcript NM_001134363.3 (MANE Select); coding-DNA position 3076, G replaced by A.
Protein change: p.Glu1026Lys; replaces glutamic acid 1026 with lysine.
Molecular consequence: missense variant.
Genome position (GRCh38, 1-based): chr10:110,821,695, G>A. VCF-style: chr10-110821695-G-A. GRCh37 (hg19) VCF-style: chr10-112581453-G-A.
Other names: c.3076G>A (LRG_382t1); short protein forms E1026K.
Identifiers: ClinVar variation 238550 (VCV000238550.19), dbSNP rs866975469, ClinGen allele CA10582706.